The following is an entry in ClinVar:

ClinVar aggregate classification (germline): Likely benign. Review status: criteria provided, multiple submitters, no conflicts (2 of 4 stars). 2 submissions from 2 submitters: Likely benign (2). Last evaluated 2018-06-16.

Allele frequency attached by ClinVar (database versions not stated): gnomAD exomes 0.00128; gnomAD 0.01181 and 0.01265; TOPMed 0.01343; 1000 Genomes Project 0.01438; 1000 Genomes Project 30x 0.01530.
gnomAD v4.1: 3,023 of 1,089,256 alleles (0.28%); highest among the groups gnomAD compares: African/African-American, 4.1%; 51 homozygotes.

Submissions (2):

GeneDx
Classification: Likely benign. Last evaluated: 2018-06-16. Review status: criteria provided, single submitter. Criteria: GeneDx Variant Classification (06012015). Collection method: clinical testing. Allele origin: germline. Affected: yes.
Comment: This variant is considered likely benign or benign based on one or more of the following criteria: it is a conservative change, it occurs at a poorly conserved position in the protein, it is predicted to be benign by multiple in silico algorithms, and/or has population frequency not consistent with disease.

Breakthrough Genomics
Classification: Likely benign. Review status: criteria provided, single submitter. Criteria: ACMG Guidelines, 2015. Collection method: not provided. Allele origin: germline. Inheritance: Autosomal recessive inheritance. Affected: yes.

NM_000304.4(PMP22):c.79-85C>T

Gene: PMP22 (peripheral myelin protein 22; minus strand). Cytogenetic location: 17p12.
Variant type: single nucleotide variant.
Coding change: c.79-85C>T on transcript NM_000304.4 (MANE Select); 85 bases into the intron before coding-DNA position 79, C replaced by T.
Molecular consequence: intron variant.
Genome position (GRCh38, 1-based): chr17:15,259,278, G>A on the plus strand (C>T on the coding strand, the complement: PMP22 is on the minus strand). VCF-style: chr17-15259278-G-A. GRCh37 (hg19) VCF-style: chr17-15162595-G-A.
Other names: c.79-85C>T (NM_001281456.2, NM_153321.3, NM_001281455.2 and 2 more transcripts).
Identifiers: ClinVar variation 676614 (VCV000676614.2), dbSNP rs73265855, ClinGen allele CA288109196.